The following is an entry in ClinVar:

NM_001368894.2(PAX6):c.590G>C (p.Gly197Ala)

Gene: PAX6 (paired box 6; minus strand). Cytogenetic location: 11p13.
Variant type: single nucleotide variant.
Coding change: c.590G>C on transcript NM_001368894.2 (MANE Select); coding-DNA position 590, G replaced by C.
Protein change: p.Gly197Ala; replaces glycine 197 with alanine.
Molecular consequence: missense variant. On other transcripts: 5 prime UTR variant (1), non-coding transcript variant (2).
Genome position (GRCh38, 1-based): chr11:31,794,764, C>G on the plus strand (G>C on the coding strand, the complement: PAX6 is on the minus strand). VCF-style: chr11-31794764-C-G. GRCh37 (hg19) VCF-style: chr11-31816312-C-G.
Other names: c.548G>C, p.Gly183Ala (NM_000280.6, NM_001127612.3, NM_001258464.2 and 10 more transcripts); c.590G>C, p.Gly197Ala (NM_001258462.3, NM_001258463.2, NM_001310158.2 and 6 more transcripts); c.140G>C, p.Gly47Ala (NM_001310160.2, NM_001310161.3, NM_001368899.2 and 11 more transcripts); c.791G>C, p.Gly264Ala (NM_001368910.2); c.593G>C, p.Gly198Ala (NM_001368911.2); c.665G>C, p.Gly222Ala (NM_001368918.2, NM_001368919.2); c.623G>C, p.Gly208Ala (NM_001368920.2); c.389G>C, p.Gly130Ala (NM_001368921.2, NM_001368922.2, NM_001368923.2 and 4 more transcripts); and 3 more; short protein forms G208A, G222A, G47A, G183A, G198A, G264A, G116A, G130A.
Identifiers: ClinVar variation 1445455 (VCV001445455.13), dbSNP rs541894561, ClinGen allele CA5933844.

ClinVar aggregate classification (germline): Uncertain significance. Review status: criteria provided, multiple submitters, no conflicts (2 of 4 stars). 2 submissions from 2 submitters: Uncertain significance (2). Last evaluated 2025-01-12.

Conditions:
Irido-corneo-trabecular dysgenesis (ASGD5). Also called: ANTERIOR SEGMENT DYSGENESIS 5. Identifiers: Orphanet 708, MedGen C0344559, MONDO:0011414, OMIM 604229, HP:0000659.
Aniridia 1 (AN1). Identifiers: Orphanet 250923, MedGen C0344542, MONDO:0024507, OMIM 106210.

Allele frequency attached by ClinVar (database versions not stated): TOPMed 0.00001.
gnomAD v4.1: 36 of 1,614,112 alleles (0.0022%); highest among the groups gnomAD compares: East Asian, 0.018%; no homozygotes.

Submissions (2):

Labcorp Genetics (formerly Invitae), Labcorp
Classification: Uncertain significance for Aniridia 1; Irido-corneo-trabecular dysgenesis. Last evaluated: 2025-01-12. Review status: criteria provided, single submitter. Criteria: Invitae Variant Classification Sherloc (09022015). Collection method: clinical testing. Allele origin: germline.
Comment: This sequence change replaces glycine, which is neutral and non-polar, with alanine, which is neutral and non-polar, at codon 183 of the PAX6 protein (p.Gly183Ala). This variant is present in population databases (rs541894561, gnomAD 0.03%). This variant has not been reported in the literature in individuals affected with PAX6-related conditions. ClinVar contains an entry for this variant (Variation ID: 1445455). Invitae Evidence Modeling of protein sequence and biophysical properties (such as structural, functional, and spatial information, amino acid conservation, physicochemical variation, residue mobility, and thermodynamic stability) indicates that this missense variant is not expected to disrupt PAX6 protein function with a negative predictive value of 95%. In summary, the available evidence is currently insufficient to determine the role of this variant in disease. Therefore, it has been classified as a Variant of Uncertain Significance.

Revvity Omics, Revvity
Classification: Uncertain significance. Last evaluated: 2021-05-10. Review status: criteria provided, single submitter. Criteria: ACMG Guidelines, 2015. Collection method: clinical testing. Allele origin: germline.